The following is an entry in ClinVar:

ClinVar aggregate classification (germline): Uncertain significance. Review status: criteria provided, multiple submitters, no conflicts (2 of 4 stars). 2 submissions from 2 submitters: Uncertain significance (2). Last evaluated 2024-12-07.

Conditions:
Hereditary cancer-predisposing syndrome. Also called: Neoplastic Syndromes, Hereditary; Tumor predisposition; Hereditary Cancer Syndrome; Hereditary neoplastic syndrome. Identifiers: Orphanet 140162, MedGen C0027672, MeSH D009386, MONDO:0015356.

Submissions (2):

Ambry Genetics
Classification: Uncertain significance for Hereditary cancer-predisposing syndrome. Last evaluated: 2024-12-07. Review status: criteria provided, single submitter. Criteria: Ambry Variant Classification Scheme 2023. Collection method: clinical testing. Allele origin: germline.
Comment: The p.N2123S variant (also known as c.6368A>G), located in coding exon 46 of the POLE gene, results from an A to G substitution at nucleotide position 6368. The asparagine at codon 2123 is replaced by serine, an amino acid with highly similar properties. This amino acid position is conserved. In addition, this alteration is predicted to be tolerated by in silico analysis. Based on the available evidence, the clinical significance of this variant remains unclear.

Labcorp Genetics (formerly Invitae), Labcorp
Classification: Uncertain significance. Last evaluated: 2024-11-30. Review status: criteria provided, single submitter. Criteria: Invitae Variant Classification Sherloc (09022015). Collection method: clinical testing. Allele origin: germline.
Comment: This sequence change replaces asparagine, which is neutral and polar, with serine, which is neutral and polar, at codon 2123 of the POLE protein (p.Asn2123Ser). This variant is not present in population databases (gnomAD no frequency). This variant has not been reported in the literature in individuals affected with POLE-related conditions. Invitae Evidence Modeling of protein sequence and biophysical properties (such as structural, functional, and spatial information, amino acid conservation, physicochemical variation, residue mobility, and thermodynamic stability) indicates that this missense variant is not expected to disrupt POLE protein function with a negative predictive value of 80%. In summary, the available evidence is currently insufficient to determine the role of this variant in disease. Therefore, it has been classified as a Variant of Uncertain Significance.

NM_006231.4(POLE):c.6368A>G (p.Asn2123Ser)

Gene: POLE (DNA polymerase epsilon, catalytic subunit; minus strand). Cytogenetic location: 12q24.33.
Variant type: single nucleotide variant.
Coding change: c.6368A>G on transcript NM_006231.4 (MANE Select); coding-DNA position 6368, A replaced by G.
Protein change: p.Asn2123Ser; replaces asparagine 2123 with serine.
Molecular consequence: missense variant.
Genome position (GRCh38, 1-based): chr12:132,626,280, T>C on the plus strand (A>G on the coding strand, the complement: POLE is on the minus strand). VCF-style: chr12-132626280-T-C. GRCh37 (hg19) VCF-style: chr12-133202866-T-C.
Other names: short protein forms N2123S.
Identifiers: ClinVar variation 3422086 (VCV003422086.3).